The following is an entry in ClinVar:

NM_001388492.1(HTT):c.935T>C (p.Leu312Pro)

Gene: HTT (huntingtin; plus strand). Cytogenetic location: 4p16.3.
Variant type: single nucleotide variant.
Coding change: c.935T>C on transcript NM_001388492.1 (MANE Select); coding-DNA position 935, T replaced by C.
Protein change: p.Leu312Pro; replaces leucine 312 with proline.
Molecular consequence: missense variant.
Genome position (GRCh38, 1-based): chr4:3,116,130, T>C. VCF-style: chr4-3116130-T-C. GRCh37 (hg19) VCF-style: chr4-3117857-T-C.
Other names: c.941T>C, p.Leu314Pro (NM_002111.8); short protein forms L312P, L314P.
Identifiers: ClinVar variation 1387701 (VCV001387701.6), dbSNP rs2110172445, ClinGen allele CA356068508.

ClinVar aggregate classification (germline): Uncertain significance (1 of 4 stars; one submission).

Allele frequency attached by ClinVar (database versions not stated): gnomAD exomes below 0.00001.
gnomAD v4.1: 1 of 1,613,766 alleles (0.000062%); highest among the groups gnomAD compares: Non-Finnish European, 0.000085%; no homozygotes.

Submission:

Labcorp Genetics (formerly Invitae), Labcorp
Classification: Uncertain significance. Last evaluated: 2024-04-15. Review status: criteria provided, single submitter. Criteria: Invitae Variant Classification Sherloc (09022015). Collection method: clinical testing. Allele origin: germline.
Comment: This sequence change replaces leucine, which is neutral and non-polar, with proline, which is neutral and non-polar, at codon 314 of the HTT protein (p.Leu314Pro). This variant is not present in population databases (gnomAD no frequency). This variant has not been reported in the literature in individuals affected with HTT-related conditions. ClinVar contains an entry for this variant (Variation ID: 1387701). Experimental studies and prediction algorithms are not available or were not evaluated, and the functional significance of this variant is currently unknown. In summary, the available evidence is currently insufficient to determine the role of this variant in disease. Therefore, it has been classified as a Variant of Uncertain Significance.